The following is an entry in ClinVar:

ClinVar aggregate classification (germline): Pathogenic (1 of 4 stars; one submission).

Conditions:
Familial thoracic aortic aneurysm and aortic dissection (TAAD). Also called: Thoracic aortic aneurysms and dissections. Identifiers: Orphanet 91387, MedGen C4707243, MONDO:0019625.

Submission:

Labcorp Genetics (formerly Invitae), Labcorp
Classification: Pathogenic for Familial thoracic aortic aneurysm and aortic dissection. Last evaluated: 2022-11-14. Review status: criteria provided, single submitter. Criteria: Invitae Variant Classification Sherloc (09022015). Collection method: clinical testing. Allele origin: germline.
Comment: This sequence change creates a premature translational stop signal (p.Ile235Hisfs*76) in the SMAD3 gene. It is expected to result in an absent or disrupted protein product. Loss-of-function variants in SMAD3 are known to be pathogenic (PMID: 21778426, 24804794). This variant is not present in population databases (gnomAD no frequency). This variant has not been reported in the literature in individuals affected with SMAD3-related conditions. For these reasons, this variant has been classified as Pathogenic.

Literature cited by the submitters: PubMed 21778426; PubMed 24804794.

NM_005902.4(SMAD3):c.702dup (p.Ile235fs)

Gene: SMAD3 (SMAD family member 3; plus strand). Cytogenetic location: 15q22.33.
Variant type: Duplication.
Coding change: c.702dup on transcript NM_005902.4 (MANE Select); coding-DNA position 702, one base duplicated (C; older notation c.702dupC).
Protein change: p.Ile235fs; shifts the reading frame from isoleucine 235.
Molecular consequence: frameshift variant.
Genome position (GRCh38, 1-based): chr15:67,181,284, C duplicated; the last of 2 consecutive C bases (chr15:67,181,283-67,181,284); duplicating either gives the same sequence. VCF-style (leftmost placement, unchanged base first): chr15-67181282-T-TC. GRCh37 (hg19) VCF-style: chr15-67473620-T-TC.
Other names: c.387dup, p.Ile130fs (NM_001145102.2, NM_001407016.1); c.570dup, p.Ile191fs (NM_001145103.2, NM_001407012.1); c.117dup, p.Ile40fs (NM_001145104.2, NM_001407017.1); c.702dup, p.Ile235fs (NM_001407011.1, NM_001407013.1); c.555dup, p.Ile186fs (NM_001407014.1); c.255dup, p.Ile86fs (NM_001407015.1); short protein forms I130fs, I235fs, I40fs, I186fs, I86fs, I191fs.
Identifiers: ClinVar variation 2814176 (VCV002814176.3), dbSNP rs2505283231, ClinGen allele CA2739269519.